The following is an entry in ClinVar:

NM_001378454.1(ALMS1):c.384A>C (p.Thr128=)

Gene: ALMS1 (ALMS1 centrosome and basal body associated protein; plus strand). Cytogenetic location: 2p13.1.
Variant type: single nucleotide variant.
Coding change: c.384A>C on transcript NM_001378454.1 (MANE Select); coding-DNA position 384, A replaced by C.
Protein change: p.Thr128=; no amino-acid change (threonine 128 retained).
Molecular consequence: synonymous variant.
Genome position (GRCh38, 1-based): chr2:73,408,681, A>C. VCF-style: chr2-73408681-A-C. GRCh37 (hg19) VCF-style: chr2-73635809-A-C.
Other names: c.387A>C, p.Thr129= (NM_015120.4).
Identifiers: ClinVar variation 5002581 (VCV005002581.1).

ClinVar aggregate classification (germline): Uncertain significance (1 of 4 stars; one submission).

Conditions:
ALMS1-related disorder. Also called: ALMS1-related condition.

Submission:

PreventionGenetics, part of Exact Sciences
Classification: Uncertain significance for ALMS1-related condition. Last evaluated: 2025-03-14. Review status: criteria provided, single submitter. Criteria: ACMG Guidelines, 2015. Collection method: clinical testing. Allele origin: germline.
Comment: The ALMS1 c.387A>C variant is predicted to result in the amino acid substitution p.Gln129His. To our knowledge, this variant has not been reported in the literature. This variant is reported in 0.00088% of alleles in individuals of European (Non-Finnish) descent in gnomAD. At this time, the clinical significance of this variant is uncertain due to the absence of conclusive functional and genetic evidence.